The following is an entry in ClinVar:

ClinVar aggregate classification (germline): Pathogenic (1 of 4 stars; one submission).

Conditions:
Primary ciliary dyskinesia 28. Also called: CILIARY DYSKINESIA, PRIMARY, 28, WITH OR WITHOUT SITUS INVERSUS. Identifiers: Orphanet 244, MedGen C3809706, MONDO:0014216, OMIM 615505.

Submission:

Labcorp Genetics (formerly Invitae), Labcorp
Classification: Pathogenic for Primary ciliary dyskinesia 28. Last evaluated: 2025-12-01. Review status: criteria provided, single submitter. Criteria: Invitae Variant Classification Sherloc (09022015). Collection method: clinical testing. Allele origin: germline.
Comment: This sequence change creates a premature translational stop signal (p.Val45Glyfs*31) in the SPAG1 gene. It is expected to result in an absent or disrupted protein product. Loss-of-function variants in SPAG1 are known to be pathogenic (PMID: 24055112). This variant is not present in population databases (gnomAD no frequency). This variant has not been reported in the literature in individuals affected with SPAG1-related conditions. For these reasons, this variant has been classified as Pathogenic.

Literature cited by the submitters: PubMed 24055112.

NM_003114.5(SPAG1):c.134del (p.Val45fs)

Gene: SPAG1 (sperm associated antigen 1; plus strand). Cytogenetic location: 8q22.2.
Variant type: Deletion.
Coding change: c.134del on transcript NM_003114.5 (MANE Select); coding-DNA position 134, one base deleted (T; older notation c.134delT).
Protein change: p.Val45fs; shifts the reading frame from valine 45.
Molecular consequence: frameshift variant.
Genome position (GRCh38, 1-based): chr8:100,162,414, T deleted. VCF-style (leftmost placement, unchanged base first): chr8-100162413-GT-G. GRCh37 (hg19) VCF-style: chr8-101174641-GT-G.
Other names: c.134del, p.Val45fs (NM_001374321.1, NM_172218.3); short protein forms V45fs.
Identifiers: ClinVar variation 4731966 (VCV004731966.1).